The following is an entry in ClinVar:

NC_000001.10:g.(?_216051090)_(216052450_?)del

Gene: USH2A (usherin; minus strand). Cytogenetic location: 1q41.
Variant type: Deletion.
Identifiers: ClinVar variation 1460095 (VCV001460095.3).

ClinVar aggregate classification (germline): Pathogenic (1 of 4 stars; one submission).

Submission:

Labcorp Genetics (formerly Invitae), Labcorp
Classification: Pathogenic. Last evaluated: 2021-08-06. Review status: criteria provided, single submitter. Criteria: Invitae Variant Classification Sherloc (09022015). Collection method: clinical testing. Allele origin: germline.
Comment: This variant is a gross deletion of the genomic region encompassing exon(s) 42-43 of the USH2A gene. This deletion is out-of-frame, and is expected to create a premature termination codon and result in an absent or disrupted protein product. Loss-of-function variants in USH2A are known to be pathogenic (PMID: 10729113, 10909849, 20507924, 25649381). This variant has not been reported in the literature in individuals affected with USH2A-related conditions. For these reasons, this variant has been classified as Pathogenic.

Literature cited by the submitters: PubMed 10729113; PubMed 10909849; PubMed 20507924; PubMed 25649381.